The following is an entry in ClinVar:

ClinVar aggregate classification (germline): Uncertain significance (1 of 4 stars; one submission).

Conditions:
Primary ciliary dyskinesia. Also called: Ciliary dyskinesia. Identifiers: Orphanet 244, MedGen C0008780, MONDO:0016575, HP:0012265.

Submission:

Labcorp Genetics (formerly Invitae), Labcorp
Classification: Uncertain significance for Primary ciliary dyskinesia. Last evaluated: 2025-10-13. Review status: criteria provided, single submitter. Criteria: Invitae Variant Classification Sherloc (09022015). Collection method: clinical testing. Allele origin: germline.
Comment: This variant, c.13027_13029del, results in the deletion of 1 amino acid(s) of the DNAH11 protein (p.Ser4343del), but otherwise preserves the integrity of the reading frame. This variant is not present in population databases (gnomAD no frequency). This variant has been observed in individual(s) with clinical features of primary ciliary dyskinesia (internal data). In at least one individual the data is consistent with being in trans (on the opposite chromosome) from a pathogenic variant. Experimental studies and prediction algorithms are not available or were not evaluated, and the functional significance of this variant is currently unknown. This variant disrupts a region of the DNAH11 protein in which other variant(s) (p.Ser4343) have been observed in individuals with DNAH11-related conditions (internal data). This suggests that this is a clinically significant region of the protein, and that variants that disrupt it are likely to be disease-causing. In summary, the available evidence is currently insufficient to determine the role of this variant in disease. Therefore, it has been classified as a Variant of Uncertain Significance.

NM_001277115.2(DNAH11):c.13027_13029del (p.Ser4343del)

Gene: DNAH11 (dynein axonemal heavy chain 11; plus strand). Cytogenetic location: 7p15.3.
Variant type: Deletion.
Coding change: c.13027_13029del on transcript NM_001277115.2 (MANE Select); coding-DNA positions 13027 to 13029, 3 bases deleted (TCT; older notation c.13027_13029delTCT).
Protein change: p.Ser4343del; deletes serine 4343.
Molecular consequence: inframe deletion.
Genome position (GRCh38, 1-based): chr7:21,894,977-21,894,979, TCT deleted; deleting any 3 consecutive bases within chr7:21,894,975-21,894,979 gives the same sequence; the c. name uses the placement nearest the transcript's 3' end. VCF-style (leftmost placement, unchanged base first): chr7-21894974-CCTT-C. GRCh37 (hg19) VCF-style: chr7-21934592-CCTT-C.
Other names: short protein forms S4343del.
Identifiers: ClinVar variation 4703270 (VCV004703270.1).